The following is an entry in ClinVar:

ClinVar aggregate classification (germline): Uncertain significance (1 of 4 stars; one submission).

Conditions:
Primary ciliary dyskinesia. Also called: Ciliary dyskinesia. Identifiers: Orphanet 244, MedGen C0008780, MONDO:0016575, HP:0012265.

gnomAD v4.1: 13 of 1,612,810 alleles (0.00081%); highest among the groups gnomAD compares: South Asian, 0.0011%; no homozygotes.

Submission:

Labcorp Genetics (formerly Invitae), Labcorp
Classification: Uncertain significance for Primary ciliary dyskinesia. Last evaluated: 2025-04-07. Review status: criteria provided, single submitter. Criteria: Invitae Variant Classification Sherloc (09022015). Collection method: clinical testing. Allele origin: germline.
Comment: This sequence change falls in intron 74 of the DNAH8 gene. It does not directly change the encoded amino acid sequence of the DNAH8 protein. It affects a nucleotide within the consensus splice site. This variant is not present in population databases (gnomAD no frequency). This variant has not been reported in the literature in individuals affected with DNAH8-related conditions. ClinVar contains an entry for this variant (Variation ID: 3623955). Variants that disrupt the consensus splice site are a relatively common cause of aberrant splicing (PMID: 17576681, 9536098). Algorithms developed to predict the effect of sequence changes on RNA splicing suggest that this variant may disrupt the consensus splice site. In summary, the available evidence is currently insufficient to determine the role of this variant in disease. Therefore, it has been classified as a Variant of Uncertain Significance.

Literature cited by the submitters: PubMed 17576681; PubMed 9536098.

NM_001206927.2(DNAH8):c.11118+3A>G

Genes: DNAH8 (dynein axonemal heavy chain 8; plus strand), DNAH8-AS1 (DNAH8 antisense RNA 1; minus strand). Cytogenetic location: 6p21.2.
Variant type: single nucleotide variant.
Coding change: c.11118+3A>G on transcript NM_001206927.2 (MANE Select); 3 bases into the intron after coding-DNA position 11118, A replaced by G.
Molecular consequence: intron variant.
Genome position (GRCh38, 1-based): chr6:38,926,213, A>G. VCF-style: chr6-38926213-A-G. GRCh37 (hg19) VCF-style: chr6-38893989-A-G.
Other names: c.10467+3A>G (NM_001371.4).
Identifiers: ClinVar variation 3623955 (VCV003623955.2).